The following is an entry in ClinVar:

NM_006579.3(EBP):c.76C>T (p.Arg26Cys)

Gene: EBP (EBP cholestenol delta-isomerase; plus strand). Cytogenetic location: Xp11.23.
Variant type: single nucleotide variant.
Coding change: c.76C>T on transcript NM_006579.3 (MANE Select); coding-DNA position 76, C replaced by T.
Protein change: p.Arg26Cys; replaces arginine 26 with cysteine.
Molecular consequence: missense variant.
Genome position (GRCh38, 1-based): chrX:48,523,847, C>T. VCF-style: chrX-48523847-C-T. GRCh37 (hg19) VCF-style: chrX-48382235-C-T.
Other names: short protein forms R26C.
Identifiers: ClinVar variation 3612243 (VCV003612243.2).

ClinVar aggregate classification (germline): Uncertain significance (1 of 4 stars; one submission).

gnomAD v4.1: 20 of 1,210,939 alleles (0.0017%); highest among the groups gnomAD compares: South Asian, 0.0035%; no homozygotes.

Submission:

Labcorp Genetics (formerly Invitae), Labcorp
Classification: Uncertain significance. Last evaluated: 2025-03-21. Review status: criteria provided, single submitter. Criteria: Invitae Variant Classification Sherloc (09022015). Collection method: clinical testing. Allele origin: germline.
Comment: This sequence change replaces arginine, which is basic and polar, with cysteine, which is neutral and slightly polar, at codon 26 of the EBP protein (p.Arg26Cys). This variant is present in population databases (rs200081935, gnomAD 0.005%), including at least one homozygous and/or hemizygous individual. This variant has not been reported in the literature in individuals affected with EBP-related conditions. Invitae Evidence Modeling of protein sequence and biophysical properties (such as structural, functional, and spatial information, amino acid conservation, physicochemical variation, residue mobility, and thermodynamic stability) indicates that this missense variant is expected to disrupt EBP protein function with a positive predictive value of 95%. In summary, the available evidence is currently insufficient to determine the role of this variant in disease. Therefore, it has been classified as a Variant of Uncertain Significance.